The following is an entry in ClinVar:

NM_021927.3(GUF1):c.89C>T (p.Pro30Leu)

Genes: GUF1 (GTP binding elongation factor GUF1; plus strand), LOC129992541 (ATAC-STARR-seq lymphoblastoid silent region 15397; plus strand). Cytogenetic location: 4p12.
Variant type: single nucleotide variant.
Coding change: c.89C>T on transcript NM_021927.3 (MANE Select); coding-DNA position 89, C replaced by T.
Protein change: p.Pro30Leu; replaces proline 30 with leucine.
Molecular consequence: missense variant. On other transcripts: 5 prime UTR variant (2).
Genome position (GRCh38, 1-based): chr4:44,678,711, C>T. VCF-style: chr4-44678711-C-T. GRCh37 (hg19) VCF-style: chr4-44680728-C-T.
Other names: c.-880C>T (NM_001345867.2); c.89C>T, p.Pro30Leu (NM_001345868.2); c.-772C>T (NM_001345869.2); short protein forms P30L.
Identifiers: ClinVar variation 2727594 (VCV002727594.3), dbSNP rs1714583180, ClinGen allele CA356759956.
Genomic context (GRCh38, chr4:44,678,711, plus strand): 5'-GGTGCGCACGCGCTCTCGCGCCACGAGCCACTGGGGCCGCGCTTCTGGTGGCCCCGGGGC[C>T]CCGGTCCGCGCCGACCCTTGGGGCTGCTCCAGAGTCCTGGGCTACCGACAGGCTCTACAG-3'
Protein context (NP_068746.2, residues 20-40): TGAALLVAPG[Pro30Leu]RSAPTLGAAP

ClinVar aggregate classification (germline): Uncertain significance (1 of 4 stars; one submission).

Allele frequency attached by ClinVar (database versions not stated): TOPMed below 0.00001; gnomAD exomes 0.00001.

Submission:

Labcorp Genetics (formerly Invitae), Labcorp
Classification: Uncertain significance. Last evaluated: 2024-01-10. Review status: criteria provided, single submitter. Criteria: Invitae Variant Classification Sherloc (09022015). Collection method: clinical testing. Allele origin: germline.
Comment: This sequence change replaces proline, which is neutral and non-polar, with leucine, which is neutral and non-polar, at codon 30 of the GUF1 protein (p.Pro30Leu). This variant is not present in population databases (gnomAD no frequency). This variant has not been reported in the literature in individuals affected with GUF1-related conditions. Algorithms developed to predict the effect of missense changes on protein structure and function output the following: SIFT: "Not Available"; PolyPhen-2: "Benign"; Align-GVGD: "Not Available". The leucine amino acid residue is found in multiple mammalian species, which suggests that this missense change does not adversely affect protein function. In summary, the available evidence is currently insufficient to determine the role of this variant in disease. Therefore, it has been classified as a Variant of Uncertain Significance.